The following is an entry in ClinVar:

NM_000321.3(RB1):c.1667G>C (p.Arg556Pro)

Gene: RB1 (RB transcriptional corepressor 1; plus strand). Cytogenetic location: 13q14.2.
Variant type: single nucleotide variant.
Coding change: c.1667G>C on transcript NM_000321.3 (MANE Select); coding-DNA position 1667, G replaced by C.
Protein change: p.Arg556Pro; replaces arginine 556 with proline.
Molecular consequence: missense variant.
Genome position (GRCh38, 1-based): chr13:48,381,415, G>C. VCF-style: chr13-48381415-G-C. GRCh37 (hg19) VCF-style: chr13-48955551-G-C.
Other names: c.1667G>C, p.Arg556Pro (NM_001407165.1, NM_001407166.1); short protein forms R556P.
Identifiers: ClinVar variation 3663564 (VCV003663564.2).

ClinVar aggregate classification (germline): Uncertain significance (1 of 4 stars; one submission).

Conditions:
Retinoblastoma (RB1). Also called: RETINOBLASTOMA, SOMATIC. Identifiers: Orphanet 790, MedGen C0035335, MeSH D012175, MONDO:0008380, OMIM 180200, HP:0009919. Disease mechanism: loss of function. Inheritance: Both sporadic and heritable forms are tested..

Submission:

Labcorp Genetics (formerly Invitae), Labcorp
Classification: Uncertain significance for Retinoblastoma. Last evaluated: 2025-05-05. Review status: criteria provided, single submitter. Criteria: Invitae Variant Classification Sherloc (09022015). Collection method: clinical testing. Allele origin: germline.
Comment: This sequence change replaces arginine, which is basic and polar, with proline, which is neutral and non-polar, at codon 556 of the RB1 protein (p.Arg556Pro). This variant is not present in population databases (gnomAD no frequency). This variant has not been reported in the literature in individuals affected with RB1-related conditions. ClinVar contains an entry for this variant (Variation ID: 3663564). Invitae Evidence Modeling of protein sequence and biophysical properties (such as structural, functional, and spatial information, amino acid conservation, physicochemical variation, residue mobility, and thermodynamic stability) has been performed for this missense variant. However, the output from this modeling did not meet the statistical confidence thresholds required to predict the impact of this variant on RB1 protein function. In summary, the available evidence is currently insufficient to determine the role of this variant in disease. Therefore, it has been classified as a Variant of Uncertain Significance.